The following is an entry in ClinVar:

ClinVar aggregate classification (germline): Uncertain significance. Review status: criteria provided, multiple submitters, no conflicts (2 of 4 stars). 2 submissions from 2 submitters: Uncertain significance (2). Last evaluated 2025-05-01.

Conditions:
RASopathy. Also called: rasopathies; Noonan spectrum disorder. Identifiers: Orphanet 536391, MedGen C5555857, MONDO:0021060.

Submissions (2):

CeGaT Center for Human Genetics Tuebingen
Classification: Uncertain significance. Last evaluated: 2025-05-01. Review status: criteria provided, single submitter. Criteria: CeGaT Center For Human Genetics Tuebingen Variant Classification Criteria Version 2. Collection method: clinical testing. Allele origin: germline. Affected: yes. Observed: 1 variant allele.
Comment: RAF1: PM2, BP4

Labcorp Genetics (formerly Invitae), Labcorp
Classification: Uncertain significance for RASopathy. Last evaluated: 2024-10-28. Review status: criteria provided, single submitter. Criteria: Invitae Variant Classification Sherloc (09022015). Collection method: clinical testing. Allele origin: germline.
Comment: This sequence change replaces threonine, which is neutral and polar, with isoleucine, which is neutral and non-polar, at codon 310 of the RAF1 protein (p.Thr310Ile). This variant is not present in population databases (gnomAD no frequency). This variant has not been reported in the literature in individuals affected with RAF1-related conditions. Invitae Evidence Modeling of protein sequence and biophysical properties (such as structural, functional, and spatial information, amino acid conservation, physicochemical variation, residue mobility, and thermodynamic stability) indicates that this missense variant is not expected to disrupt RAF1 protein function with a negative predictive value of 95%. In summary, the available evidence is currently insufficient to determine the role of this variant in disease. Therefore, it has been classified as a Variant of Uncertain Significance.

NM_002880.4(RAF1):c.929C>T (p.Thr310Ile)

Gene: RAF1 (Raf-1 proto-oncogene, serine/threonine kinase; minus strand). Cytogenetic location: 3p25.2.
Variant type: single nucleotide variant.
Coding change: c.929C>T on transcript NM_002880.4 (MANE Select); coding-DNA position 929, C replaced by T.
Protein change: p.Thr310Ile; replaces threonine 310 with isoleucine.
Molecular consequence: missense variant. On other transcripts: non-coding transcript variant (3).
Genome position (GRCh38, 1-based): chr3:12,600,213, G>A on the plus strand (C>T on the coding strand, the complement: RAF1 is on the minus strand). VCF-style: chr3-12600213-G-A. GRCh37 (hg19) VCF-style: chr3-12641712-G-A.
Other names: c.989C>T, p.Thr330Ile (NM_001354689.3); c.929C>T, p.Thr310Ile (NM_001354690.3); c.686C>T, p.Thr229Ile (NM_001354691.3, NM_001354692.3); c.830C>T, p.Thr277Ile (NM_001354693.3); c.746C>T, p.Thr249Ile (NM_001354694.3); c.587C>T, p.Thr196Ile (NM_001354695.3); short protein forms T310I, T196I, T249I, T277I, T229I, T330I.
Identifiers: ClinVar variation 2775483 (VCV002775483.13), dbSNP rs2058817795, ClinGen allele CA351508797.
Genomic context (GRCh38, chr3:12,600,213, plus strand): 5'-ATTTTGTTTTTCTCCTGGGTCCCAGATACTGGTGCCCGCTCTCTTTGTGCTGGCACGGGG[G>A]TTTTCGGCTGTGACCAGCCTGTTGGGCTCAGATTGTTGGGGCTACTGGACAGGGCTGAAG-3'
Protein context (NP_002871.1, residues 300-320): LSPTGWSQPK[Thr310Ile]PVPAQRERAP